The following continues an entry in ClinVar:

NM_000138.5(FBN1):c.6700G>A (p.Val2234Met)

Gene: FBN1. ClinVar aggregate classification (germline): Conflicting classifications of pathogenicity. Uncertain significance (2); Benign (5); Likely benign (14).

Submissions 19 to 26 of 26:

Center for Human Genetics, Inc
Classification: Likely benign for Connective tissue disorder. Last evaluated: 2016-11-01. Review status: criteria provided, single submitter. Criteria: ACMG Guidelines, 2015. Collection method: clinical testing. Allele origin: germline. Affected: yes.

Ambry Genetics
Classification: Benign for Familial thoracic aortic aneurysm and aortic dissection. Last evaluated: 2014-10-29. Review status: criteria provided, single submitter. Criteria: Ambry Variant Classification Scheme 2023. Collection method: clinical testing. Allele origin: germline.

Laboratory for Molecular Medicine, Mass General Brigham Personalized Medicine
Classification: Uncertain significance. Last evaluated: 2011-07-01. Review status: criteria provided, single submitter. Criteria: LMM Criteria. Collection method: clinical testing. Allele origin: germline. Observed: 5 variant alleles.
Comment: The 6700G>A (Val2234Met) variant has been reported in the literature in one indi vidual meeting the Ghent clinical criteria for Marfan syndrome (Tjeldhorn 2006, Rand-Hendriksen 2007). However, this individual also carried a second FBN1 varia nt (Asp1113Gly) that was found in four affected family members and who were all negative for the Val2234Met variant (Rand-Hendriksen 2007). This variant has bee n identified by our laboratory in one family; two family members that are report edly minimally affected with some clinical features of Marfan syndrome carry thi s variant. Valine (Val) at amino acid position 2234 is not completely conserved in other mammals or distantly related species (cow, dog, elephant, chicken and f rog carry an alanine; opossum carries an isoleucine; fish carries a threonine). Furthermore, this variant has been reported in dbSNP (rs112084407) with a minor allele frequency of 0.002. Collectively, these data reduce the likelihood that t his change is pathogenic. However, in the absence of additional data, we cannot conclusively determine the clinical significance of this variant at this time, t hough we lean towards a likely benign role.

PreventionGenetics, part of Exact Sciences
Classification: Likely benign for FBN1-related condition. Last evaluated: 2022-02-10. Review status: no assertion criteria provided. Collection method: clinical testing. Allele origin: germline. Not counted in ClinVar's aggregate classification.
Comment: This variant is classified as likely benign based on ACMG/AMP sequence variant interpretation guidelines (Richards et al. 2015 PMID: 25741868, with internal and published modifications).

CSER _CC_NCGL, University of Washington
Classification: Likely benign for Marfan syndrome. Last evaluated: 2016-08-15. Review status: no assertion criteria provided. Collection method: research. Allele origin: germline. Inheritance: Autosomal dominant inheritance. Study: ESP 6500 variant annotation. Not counted in ClinVar's aggregate classification.
Comment: Originally interpreted based on literature review PMID: 25637381.

Variants classified for the Actionable exomic incidental findings in 6503 participants: challenges of variant classification manuscript

Women's Health and Genetics/Laboratory Corporation of America, LabCorp
Classification: Benign for Marfan's syndrome. Last evaluated: 2015-06-12. Review status: no assertion criteria provided. Collection method: clinical testing. Allele origin: germline. Not counted in ClinVar's aggregate classification.

Clinical Genetics DNA and cytogenetics Diagnostics Lab, Erasmus MC, Erasmus Medical Center
Classification: Likely benign. Review status: no assertion criteria provided. Collection method: clinical testing. Allele origin: germline. Affected: yes. Study: VKGL Data-share Consensus. Not counted in ClinVar's aggregate classification.

Genome Diagnostics Laboratory, Amsterdam University Medical Center
Classification: Benign. Review status: no assertion criteria provided. Collection method: clinical testing. Allele origin: germline. Affected: yes. Study: VKGL Data-share Consensus. Not counted in ClinVar's aggregate classification.

Literature cited by the submitters: PubMed 28497567 (cited by Broad Center for Mendelian Genomics, Broad Institute of MIT and Harvard); PubMed 17663468 (cited by 3 submitters); PubMed 25812041 (cited by 3 submitters); PubMed 25637381 (cited by 4 submitters); PubMed 17253931 (cited by 3 submitters); PubMed 17657824 (cited by Illumina Laboratory Services, Illumina); PubMed 24941995 (cited by Illumina Laboratory Services, Illumina and Eurofins Ntd Llc (ga)); PubMed 24055113 (cited by Illumina Laboratory Services, Illumina and Eurofins Ntd Llc (ga)).